The following is an entry in ClinVar:

ClinVar aggregate classification (germline): Benign. Review status: criteria provided, multiple submitters, no conflicts (2 of 4 stars). 2 submissions from 2 submitters: Benign (2). Last evaluated 2019-04-19.

Allele frequency attached by ClinVar (database versions not stated): TOPMed 0.12216; 1000 Genomes Project 30x 0.13351; gnomAD 0.13430 and 0.14096; ESP Exome Variant Server 0.13741; 1000 Genomes Project 0.13998; gnomAD exomes 0.17952 and 0.18504; ExAC 0.18547.
gnomAD v4.1: 290,054 of 1,603,214 alleles (18%); highest among the groups gnomAD compares: South Asian, 33%; 29,080 homozygotes.

Submissions (2):

GeneDx
Classification: Benign. Last evaluated: 2019-04-19. Review status: criteria provided, single submitter. Criteria: GeneDx Variant Classification Process June 2021. Collection method: clinical testing. Allele origin: germline. Affected: yes.
Comment: This variant is associated with the following publications: (PMID: 31658403, 31261387, 30389748)

Breakthrough Genomics
Classification: Benign. Review status: criteria provided, single submitter. Criteria: ACMG Guidelines, 2015. Collection method: not provided. Allele origin: germline. Inheritance: Unknown mechanism. Affected: yes.

NM_032326.4(TMEM175):c.1178T>C (p.Met393Thr)

Gene: TMEM175 (transmembrane protein 175; plus strand). Cytogenetic location: 4p16.3.
Variant type: single nucleotide variant.
Coding change: c.1178T>C on transcript NM_032326.4 (MANE Select); coding-DNA position 1178, T replaced by C.
Protein change: p.Met393Thr; replaces methionine 393 with threonine.
Molecular consequence: missense variant.
Genome position (GRCh38, 1-based): chr4:958,159, T>C. VCF-style: chr4-958159-T-C. GRCh37 (hg19) VCF-style: chr4-951947-T-C.
Other names: c.932T>C, p.Met311Thr (NM_001297423.2, NM_001297424.2, NM_001297425.2); c.830T>C, p.Met277Thr (NM_001297426.2, NM_001297427.2, NM_001297428.2); short protein forms M277T, M311T, M393T.
Identifiers: ClinVar variation 1246424 (VCV001246424.3), dbSNP rs34311866, ClinGen allele CA2799607.